The following is an entry in ClinVar:

NM_000291.4(PGK1):c.747C>A (p.Asn249Lys)

Gene: PGK1 (phosphoglycerate kinase 1; plus strand). Cytogenetic location: Xq21.1.
Variant type: single nucleotide variant.
Coding change: c.747C>A on transcript NM_000291.4 (MANE Select); coding-DNA position 747, C replaced by A.
Protein change: p.Asn249Lys; replaces asparagine 249 with lysine.
Molecular consequence: missense variant.
Genome position (GRCh38, 1-based): chrX:78,122,940, C>A. VCF-style: chrX-78122940-C-A. GRCh37 (hg19) VCF-style: chrX-77378437-C-A.
Other names: short protein forms N249K.
Identifiers: ClinVar variation 2631226 (VCV002631226.1), dbSNP rs2522502101, ClinGen allele CA413715998.
Genomic context (GRCh38, chrX:78,122,940, plus strand): 5'-CAAAGTCAATGAGATGATTATTGGTGGTGGAATGGCTTTTACCTTCCTTAAGGTGCTCAA[C>A]AACATGGAGGTAGGAAACAAATGCCAAGTGGATGTGAAATAGCTCTCCATGATAATAGCA-3'
Protein context (NP_000282.1, residues 239-259): GMAFTFLKVL[Asn249Lys]NMEIGTSLFD

ClinVar aggregate classification (germline): Uncertain significance (1 of 4 stars; one submission).

Conditions:
PGK1-related disorder. Also called: PGK1-related condition.

Submission:

PreventionGenetics, part of Exact Sciences
Classification: Uncertain significance for PGK1-related condition. Last evaluated: 2023-08-25. Review status: criteria provided, single submitter. Criteria: ACMG Guidelines, 2015. Collection method: clinical testing. Allele origin: germline.
Comment: The PGK1 c.747C>A variant is predicted to result in the amino acid substitution p.Asn249Lys. To our knowledge, this variant has not been reported in the literature or in a large population database, indicating this variant is rare. At this time, the clinical significance of this variant is uncertain due to the absence of conclusive functional and genetic evidence.